The following is an entry in ClinVar:

ClinVar aggregate classification (germline): Uncertain significance (1 of 4 stars; one submission).

Conditions:
Neurofibromatosis, type 1 (NF1). Also called: NEUROFIBROMATOSIS, TYPE I, SOMATIC; Neurofibromatosis, type I; VON RECKLINGHAUSEN DISEASE; Peripheral type neurofibromatosis. Identifiers: Orphanet 636, MedGen C0027831, MONDO:0018975, OMIM 162200. Disease mechanism: loss of function.

Submission:

Labcorp Genetics (formerly Invitae), Labcorp
Classification: Uncertain significance for Neurofibromatosis, type 1. Last evaluated: 2020-05-11. Review status: criteria provided, single submitter. Criteria: Invitae Variant Classification Sherloc (09022015). Collection method: clinical testing. Allele origin: germline.
Comment: This sequence change replaces tryptophan with arginine at codon 571 of the NF1 protein (p.Trp571Arg). The tryptophan residue is highly conserved and there is a moderate physicochemical difference between tryptophan and arginine. This variant is not present in population databases (ExAC no frequency). This variant has not been reported in the literature in individuals with NF1-related conditions. Algorithms developed to predict the effect of missense changes on protein structure and function are either unavailable or do not agree on the potential impact of this missense change (SIFT: Deleterious; PolyPhen-2: Probably Damaging; Align-GVGD: Class C0). In summary, the available evidence is currently insufficient to determine the role of this variant in disease. Therefore, it has been classified as a Variant of Uncertain Significance.

NM_001042492.3(NF1):c.1711T>A (p.Trp571Arg)

Gene: NF1 (neurofibromin 1; plus strand). Cytogenetic location: 17q11.2.
Variant type: single nucleotide variant.
Coding change: c.1711T>A on transcript NM_001042492.3 (MANE Select); coding-DNA position 1711, T replaced by A.
Protein change: p.Trp571Arg; replaces tryptophan 571 with arginine.
Molecular consequence: missense variant.
Genome position (GRCh38, 1-based): chr17:31,221,919, T>A. VCF-style: chr17-31221919-T-A. GRCh37 (hg19) VCF-style: chr17-29548937-T-A.
Other names: c.1711T>A, p.Trp571Arg (NM_000267.4, NM_001128147.3); short protein forms W571R.
Identifiers: ClinVar variation 1062333 (VCV001062333.1), dbSNP rs2144004785, ClinGen allele CA399002363.